The following is an entry in ClinVar:

ClinVar aggregate classification (germline): Uncertain significance (1 of 4 stars; one submission).

Conditions:
Hereditary cancer-predisposing syndrome. Also called: Hereditary Cancer Syndrome; Hereditary neoplastic syndrome; Neoplastic Syndromes, Hereditary; Tumor predisposition. Identifiers: Orphanet 140162, MedGen C0027672, MeSH D009386, MONDO:0015356.

Submission:

Ambry Genetics
Classification: Uncertain significance for Hereditary cancer-predisposing syndrome. Last evaluated: 2022-01-10. Review status: criteria provided, single submitter. Criteria: Ambry Variant Classification Scheme 2023. Collection method: clinical testing. Allele origin: germline.
Comment: The p.K202N variant (also known as c.606A>T), located in coding exon 6 of the EPCAM gene, results from an A to T substitution at nucleotide position 606. The lysine at codon 202 is replaced by asparagine, an amino acid with similar properties. This amino acid position is conserved. In addition, this alteration is predicted to be tolerated by in silico analysis. Since supporting evidence is limited at this time, the clinical significance of this alteration remains unclear.

NM_002354.3(EPCAM):c.606A>T (p.Lys202Asn)

Gene: EPCAM (epithelial cell adhesion molecule; plus strand). Cytogenetic location: 2p21.
Variant type: single nucleotide variant.
Coding change: c.606A>T on transcript NM_002354.3 (MANE Select); coding-DNA position 606, A replaced by T.
Protein change: p.Lys202Asn; replaces lysine 202 with asparagine.
Molecular consequence: missense variant.
Genome position (GRCh38, 1-based): chr2:47,379,003, A>T. VCF-style: chr2-47379003-A-T. GRCh37 (hg19) VCF-style: chr2-47606142-A-T.
Other names: short protein forms K202N.
Identifiers: ClinVar variation 1751366 (VCV001751366.2), dbSNP rs2465471018, ClinGen allele CA346724195.